The following is an entry in ClinVar:

NM_001160148.2(DDHD1):c.2211A>C (p.Glu737Asp)

Gene: DDHD1 (DDHD domain containing 1; minus strand). Cytogenetic location: 14q22.1.
Variant type: single nucleotide variant.
Coding change: c.2211A>C on transcript NM_001160148.2 (MANE Select); coding-DNA position 2211, A replaced by C.
Protein change: p.Glu737Asp; replaces glutamic acid 737 with aspartic acid.
Molecular consequence: missense variant.
Genome position (GRCh38, 1-based): chr14:53,055,694, T>G on the plus strand (A>C on the coding strand, the complement: DDHD1 is on the minus strand). VCF-style: chr14-53055694-T-G. GRCh37 (hg19) VCF-style: chr14-53522412-T-G.
Other names: c.2232A>C, p.Glu744Asp (NM_001160147.2); c.2211A>C, p.Glu737Asp (NM_030637.3); short protein forms E744D, E737D.
Identifiers: ClinVar variation 1485768 (VCV001485768.6), dbSNP rs2139839642, ClinGen allele CA389770537.

ClinVar aggregate classification (germline): Uncertain significance (1 of 4 stars; one submission).

Conditions:
Hereditary spastic paraplegia 28. Also called: Spastic paraplegia 28, autosomal recessive. Identifiers: Orphanet 101008, MedGen C1836295, MONDO:0012256, OMIM 609340.

Submission:

Labcorp Genetics (formerly Invitae), Labcorp
Classification: Uncertain significance for Hereditary spastic paraplegia 28. Last evaluated: 2022-09-01. Review status: criteria provided, single submitter. Criteria: Invitae Variant Classification Sherloc (09022015). Collection method: clinical testing. Allele origin: germline.
Comment: Algorithms developed to predict the effect of missense changes on protein structure and function are either unavailable or do not agree on the potential impact of this missense change (SIFT: "Tolerated"; PolyPhen-2: "Probably Damaging"; Align-GVGD: "Class C0"). In summary, the available evidence is currently insufficient to determine the role of this variant in disease. Therefore, it has been classified as a Variant of Uncertain Significance. This variant has not been reported in the literature in individuals affected with DDHD1-related conditions. This variant is not present in population databases (gnomAD no frequency). ClinVar contains an entry for this variant (Variation ID: 1485768). This sequence change replaces glutamic acid, which is acidic and polar, with aspartic acid, which is acidic and polar, at codon 744 of the DDHD1 protein (p.Glu744Asp).